The following is an entry in ClinVar:

NM_001164508.2(NEB):c.23929-2A>C

Genes: RIF1 (replication timing regulatory factor 1; plus strand), NEB (nebulin; minus strand). Cytogenetic location: 2q23.3.
Variant type: single nucleotide variant.
Coding change: c.23929-2A>C on transcript NM_001164508.2 (MANE Select); the canonical splice acceptor site of the intron before coding-DNA position 23929, A replaced by C.
Molecular consequence: splice acceptor variant. On other transcripts: intron variant (1).
Genome position (GRCh38, 1-based): chr2:151,501,485, T>G on the plus strand (A>C on the coding strand, the complement: NEB is on the minus strand). VCF-style: chr2-151501485-T-G. GRCh37 (hg19) VCF-style: chr2-152357999-T-G.
Other names: c.18825+1308A>C (NM_004543.5); c.23929-2A>C (NM_001164507.2); c.24034-2A>C (NM_001271208.2).
Identifiers: ClinVar variation 554692 (VCV000554692.10), dbSNP rs1553569122, ClinGen allele CA348780806.
Genomic context (GRCh38, chr2:151,501,485, plus strand): 5'-TCCATCTCAGGAGTGACAGGTAGGGGAGTCCCCTTGCTCAAGTTCTCTTTGTACAATATC[T>G]GTGTGCACAAAACCAACAAACAAATCAACCTGGACCCATCATTTTTTAGGTAGACTTAAC-3'

ClinVar aggregate classification (germline): Likely pathogenic. Review status: criteria provided, single submitter (1 of 4 stars). 2 submissions from 2 submitters: Likely pathogenic (1). 1 of the submissions does not count toward it. Last evaluated 2020-11-03.

Conditions:
Nemaline myopathy 2 (NEM2). Also called: Nemaline myopathy 2, autosomal recessive. Identifiers: MedGen C1850569, MONDO:0009725, OMIM 256030.

Submissions (2):

Labcorp Genetics (formerly Invitae), Labcorp
Classification: Likely pathogenic for Nemaline myopathy 2. Last evaluated: 2020-11-03. Review status: criteria provided, single submitter. Criteria: Invitae Variant Classification Sherloc (09022015). Collection method: clinical testing. Allele origin: germline.
Comment: This variant has not been reported in the literature in individuals with NEB-related conditions. ClinVar contains an entry for this variant (Variation ID: 554692). In summary, the currently available evidence indicates that the variant is pathogenic, but additional data are needed to prove that conclusively. Therefore, this variant has been classified as Likely Pathogenic. Algorithms developed to predict the effect of sequence changes on RNA splicing suggest that this variant may disrupt the consensus splice site, but this prediction has not been confirmed by published transcriptional studies. This variant is not present in population databases (ExAC no frequency). This sequence change affects an acceptor splice site in intron 168 of the NEB gene. It is expected to disrupt RNA splicing. Variants that disrupt the donor or acceptor splice site typically lead to a loss of protein function (PMID: 16199547), and loss-of-function variants in NEB are known to be pathogenic (PMID: 25205138).

Counsyl
Classification: Uncertain significance for Nemaline myopathy 2. Last evaluated: 2017-11-07. Review status: no assertion criteria provided. Collection method: clinical testing. Allele origin: unknown. Not counted in ClinVar's aggregate classification.

Literature cited by the submitters: PubMed 16199547 (cited by Labcorp Genetics (formerly Invitae), Labcorp); PubMed 25205138 (cited by Labcorp Genetics (formerly Invitae), Labcorp).